The following is an entry in ClinVar:

NM_000516.7(GNAS):c.440A>G (p.Tyr147Cys)

Gene: GNAS (GNAS complex locus; plus strand). Cytogenetic location: 20q13.32.
Variant type: single nucleotide variant.
Coding change: c.440A>G on transcript NM_000516.7 (MANE Select); coding-DNA position 440, A replaced by G.
Protein change: p.Tyr147Cys; replaces tyrosine 147 with cysteine.
Molecular consequence: missense variant. On other transcripts: 3 prime UTR variant (2).
Genome position (GRCh38, 1-based): chr20:58,905,390, A>G. VCF-style: chr20-58905390-A-G. GRCh37 (hg19) VCF-style: chr20-57480445-A-G.
Other names: c.443A>G, p.Tyr148Cys (NM_001077488.5); c.395A>G, p.Tyr132Cys (NM_001077489.4); c.*301A>G (NM_001077490.3); c.263A>G, p.Tyr88Cys (NM_001309840.2, NM_001309861.2, NM_001438276.1 and 1 more transcripts); c.344A>G, p.Tyr115Cys (NM_001410912.1); c.2324A>G, p.Tyr775Cys (NM_001410913.1); c.218A>G, p.Tyr73Cys (NM_001438273.1, NM_001438274.1, NM_001438275.1); c.*346A>G (NM_016592.5); and 2 more; short protein forms Y132C, Y115C, Y790C, Y133C, Y147C, Y88C, Y148C, Y73C.
Identifiers: ClinVar variation 5000869 (VCV005000869.1).

ClinVar aggregate classification (germline): Uncertain significance (1 of 4 stars; one submission).

Conditions:
GNAS-related disorder. Identifiers: MedGen CN380105.

Submission:

PreventionGenetics, part of Exact Sciences
Classification: Uncertain significance for GNAS-related condition. Last evaluated: 2025-12-08. Review status: criteria provided, single submitter. Criteria: ACMG Guidelines, 2015. Collection method: clinical testing. Allele origin: germline.
Comment: The GNAS c.440A>G variant is predicted to result in the amino acid substitution p.Tyr147Cys. To our knowledge, this variant has not been reported in the literature or in a large population database (gnomAD), indicating this variant is rare. At this time, the clinical significance of this variant is uncertain due to the absence of conclusive functional and genetic evidence.